The following is an entry in ClinVar:

ClinVar aggregate classification (germline): Uncertain significance (1 of 4 stars; one submission).

Submission:

GeneDx
Classification: Uncertain significance. Last evaluated: 2025-03-03. Review status: criteria provided, single submitter. Criteria: GeneDx Variant Classification Process June 2021. Collection method: clinical testing. Allele origin: germline. Affected: yes.
Comment: In silico analysis indicates that this variant does not alter splicing; Has not been previously published as pathogenic or benign to our knowledge

NM_000459.5(TEK):c.1031-5T>G

Gene: TEK (TEK receptor tyrosine kinase; plus strand). Cytogenetic location: 9p21.2.
Variant type: single nucleotide variant.
Coding change: c.1031-5T>G on transcript NM_000459.5 (MANE Select); 5 bases into the intron before coding-DNA position 1031, T replaced by G.
Molecular consequence: intron variant.
Genome position (GRCh38, 1-based): chr9:27,183,454, T>G. VCF-style: chr9-27183454-T-G. GRCh37 (hg19) VCF-style: chr9-27183452-T-G.
Other names: c.902-5T>G (NM_001290077.2, NM_001375476.1); c.590-5T>G (NM_001290078.2); c.1031-5T>G (NM_001375475.1).
Identifiers: ClinVar variation 3372230 (VCV003372230.2).